The following is an entry in ClinVar:

ClinVar aggregate classification (germline): Uncertain significance (1 of 4 stars; one submission).

Conditions:
Hereditary cancer-predisposing syndrome. Also called: Tumor predisposition; Neoplastic Syndromes, Hereditary; Hereditary Cancer Syndrome; Hereditary neoplastic syndrome. Identifiers: Orphanet 140162, MedGen C0027672, MeSH D009386, MONDO:0015356.

Submission:

Ambry Genetics
Classification: Uncertain significance for Hereditary cancer-predisposing syndrome. Last evaluated: 2025-01-21. Review status: criteria provided, single submitter. Criteria: Ambry Variant Classification Scheme 2023. Collection method: clinical testing. Allele origin: germline.
Comment: The p.L1143R variant (also known as c.3428T>G), located in coding exon 13 of the PALB2 gene, results from a T to G substitution at nucleotide position 3428. The leucine at codon 1143 is replaced by arginine, an amino acid with dissimilar properties. This amino acid position is conserved. In addition, this alteration is predicted to be tolerated by in silico analysis. Based on the available evidence, the clinical significance of this variant remains unclear.

NM_024675.4(PALB2):c.3428T>G (p.Leu1143Arg)

Gene: PALB2 (partner and localizer of BRCA2; minus strand). Cytogenetic location: 16p12.2.
Variant type: single nucleotide variant.
Coding change: c.3428T>G on transcript NM_024675.4 (MANE Select); coding-DNA position 3428, T replaced by G.
Protein change: p.Leu1143Arg; replaces leucine 1143 with arginine.
Molecular consequence: missense variant. On other transcripts: 3 prime UTR variant (5).
Genome position (GRCh38, 1-based): chr16:23,603,592, A>C on the plus strand (T>G on the coding strand, the complement: PALB2 is on the minus strand). VCF-style: chr16-23603592-A-C. GRCh37 (hg19) VCF-style: chr16-23614913-A-C.
Other names: c.3368T>G, p.Leu1123Arg (NM_001407296.1); c.3356T>G, p.Leu1119Arg (NM_001407297.1); c.3266T>G, p.Leu1089Arg (NM_001407298.1); c.3191T>G, p.Leu1064Arg (NM_001407299.1); c.3149T>G, p.Leu1050Arg (NM_001407300.1); c.*63T>G (NM_001407301.1, NM_001407302.1, NM_001407310.1 and 2 more transcripts); c.2543T>G, p.Leu848Arg (NM_001407304.1, NM_001407305.1, NM_001407306.1); c.2381T>G, p.Leu794Arg (NM_001407307.1); and 3 more; short protein forms L1064R, L1089R, L321R, L769R, L848R, L1050R, L794R, L1119R.
Identifiers: ClinVar variation 3885211 (VCV003885211.1).
Genomic context (GRCh38, chr16:23,603,592, plus strand): 5'-TTCACAAAAGACCAATGTTGGTCAGAGACAGGTGGGAGGAGGGCAGTACACTGACCGAGA[A>C]GTAAGTCCCAAATGGCAATTGTTCCAGAAGTCAAGATTGCTGCTGCACAGTGATCTTTCA-3'
Protein context (NP_078951.2, residues 1133-1153): TSGTIAIWDL[Leu1143Arg]LGQCTALLPP